The following is an entry in ClinVar:

NM_022893.4(BCL11A):c.1971G>A (p.Ser657=)

Gene: BCL11A (BCL11 transcription factor A; minus strand). Cytogenetic location: 2p16.1.
Variant type: single nucleotide variant.
Coding change: c.1971G>A on transcript NM_022893.4 (MANE Select); coding-DNA position 1971, G replaced by A.
Protein change: p.Ser657=; no amino-acid change (serine 657 retained).
Molecular consequence: synonymous variant. On other transcripts: intron variant (6).
Genome position (GRCh38, 1-based): chr2:60,460,941, C>T on the plus strand (G>A on the coding strand, the complement: BCL11A is on the minus strand). VCF-style: chr2-60460941-C-T. GRCh37 (hg19) VCF-style: chr2-60688076-C-T.
Other names: c.1869G>A, p.Ser623= (NM_001363864.1, NM_001365609.1, NM_001405711.1 and 2 more transcripts); c.1971G>A, p.Ser657= (NM_001405708.1, NM_001405709.1, NM_001405710.1 and 1 more transcripts); c.1815G>A, p.Ser605= (NM_001405713.1, NM_001405714.1, NM_001405715.1 and 3 more transcripts); c.1713G>A, p.Ser571= (NM_001405717.1, NM_001405718.1, NM_001405724.1); c.1638G>A, p.Ser546= (NM_001405720.1, NM_001405721.1); c.1515G>A, p.Ser505= (NM_001405725.1, NM_001405726.1, NM_001405727.1 and 1 more transcripts); c.1278G>A, p.Ser426= (NM_001405729.1); c.1434G>A, p.Ser478= (NM_001405730.1); and 5 more.
Identifiers: ClinVar variation 3044508 (VCV003044508.2), dbSNP rs149363449, ClinGen allele CA1671009.

ClinVar aggregate classification (germline): Likely benign (0 of 4 stars; one submission).

Conditions:
BCL11A-related disorder. Also called: BCL11A-related condition.

Allele frequency attached by ClinVar (database versions not stated): ExAC 0.00011; gnomAD 0.00033; TOPMed 0.00039; ESP Exome Variant Server 0.00085.
gnomAD v4.1: 93 of 1,612,964 alleles (0.0058%); highest among the groups gnomAD compares: African/African-American, 0.1%; no homozygotes.

Submission:

PreventionGenetics, part of Exact Sciences
Classification: Likely benign for BCL11A-related condition. Last evaluated: 2021-03-03. Review status: no assertion criteria provided. Collection method: clinical testing. Allele origin: germline.
Comment: This variant is classified as likely benign based on ACMG/AMP sequence variant interpretation guidelines (Richards et al. 2015 PMID: 25741868, with internal and published modifications).